The following is an entry in ClinVar:

ClinVar aggregate classification (germline): Uncertain significance (1 of 4 stars; one submission).

Submission:

Ambry Genetics
Classification: Uncertain significance. Last evaluated: 2023-12-10. Review status: criteria provided, single submitter. Criteria: Ambry Variant Classification Scheme 2023. Collection method: clinical testing. Allele origin: germline.
Comment: The p.K1111T variant (also known as c.3332A>C), located in coding exon 16 of the POLQ gene, results from an A to C substitution at nucleotide position 3332. The lysine at codon 1111 is replaced by threonine, an amino acid with similar properties. This amino acid position is conserved. In addition, this alteration is predicted to be tolerated by in silico analysis. Since supporting evidence is limited at this time, the clinical significance of this alteration remains unclear.

NM_199420.4(POLQ):c.3332A>C (p.Lys1111Thr)

Gene: POLQ (DNA polymerase theta; minus strand). Cytogenetic location: 3q13.33.
Variant type: single nucleotide variant.
Coding change: c.3332A>C on transcript NM_199420.4 (MANE Select); coding-DNA position 3332, A replaced by C.
Protein change: p.Lys1111Thr; replaces lysine 1111 with threonine.
Molecular consequence: missense variant.
Genome position (GRCh38, 1-based): chr3:121,489,599, T>G on the plus strand (A>C on the coding strand, the complement: POLQ is on the minus strand). VCF-style: chr3-121489599-T-G. GRCh37 (hg19) VCF-style: chr3-121208446-T-G.
Other names: short protein forms K1111T.
Identifiers: ClinVar variation 3229929 (VCV003229929.1), dbSNP rs2546787529, ClinGen allele CA354100609.
Genomic context (GRCh38, chr3:121,489,599, plus strand): 5'-TCATTAGTTAGTGTTATGTTCCATGAACAATTTTGCTTTATTTGTAATGGGAATGATGTT[T>G]TATTATCTTTTTCCTTACCACTCAAAGATACATTTTTAGCAAATGGCCCTGAATTTCTAA-3'
Protein context (NP_955452.3, residues 1101-1121): VSLSGKEKDN[Lys1111Thr]TSFPLQIKQN